The following is an entry in ClinVar:

NM_181882.3(PRX):c.1979C>T (p.Pro660Leu)

Gene: PRX (periaxin; minus strand). Cytogenetic location: 19q13.2.
Variant type: single nucleotide variant.
Coding change: c.1979C>T on transcript NM_181882.3 (MANE Select); coding-DNA position 1979, C replaced by T.
Protein change: p.Pro660Leu; replaces proline 660 with leucine.
Molecular consequence: missense variant. On other transcripts: 3 prime UTR variant (1).
Genome position (GRCh38, 1-based): chr19:40,396,373, G>A on the plus strand (C>T on the coding strand, the complement: PRX is on the minus strand). VCF-style: chr19-40396373-G-A. GRCh37 (hg19) VCF-style: chr19-40902280-G-A.
Other names: c.*2184C>T (NM_020956.2); short protein forms P660L.
Identifiers: ClinVar variation 476955 (VCV000476955.8), dbSNP rs748737580, ClinGen allele CA9444153.

ClinVar aggregate classification (germline): Uncertain significance. Review status: criteria provided, multiple submitters, no conflicts (2 of 4 stars). 2 submissions from 2 submitters: Uncertain significance (2). Last evaluated 2025-08-27.

Conditions:
Inborn genetic diseases. Identifiers: MedGen C0950123, MeSH D030342.
Charcot-Marie-Tooth disease type 4. Also called: Charcot-Marie-Tooth disease, type IV; Charcot-Marie-Tooth, Type 4. Identifiers: Orphanet 64749, MedGen C4082197, MONDO:0018995.

Allele frequency attached by ClinVar (database versions not stated): TOPMed 0.00002; gnomAD 0.00006.
gnomAD v4.1: 26 of 1,612,920 alleles (0.0016%); highest among the groups gnomAD compares: Non-Finnish European, 0.0019%; no homozygotes.

Submissions (2):

Ambry Genetics
Classification: Uncertain significance for Inborn genetic diseases. Last evaluated: 2025-08-27. Review status: criteria provided, single submitter. Criteria: Ambry Variant Classification Scheme 2023. Collection method: clinical testing. Allele origin: germline.

Labcorp Genetics (formerly Invitae), Labcorp
Classification: Uncertain significance for Charcot-Marie-Tooth disease type 4. Last evaluated: 2022-09-01. Review status: criteria provided, single submitter. Criteria: Invitae Variant Classification Sherloc (09022015). Collection method: clinical testing. Allele origin: germline.
Comment: This sequence change replaces proline, which is neutral and non-polar, with leucine, which is neutral and non-polar, at codon 660 of the PRX protein (p.Pro660Leu). This variant is present in population databases (rs748737580, gnomAD 0.004%). This variant has not been reported in the literature in individuals affected with PRX-related conditions. ClinVar contains an entry for this variant (Variation ID: 476955). Algorithms developed to predict the effect of missense changes on protein structure and function are either unavailable or do not agree on the potential impact of this missense change (SIFT: "Deleterious"; PolyPhen-2: "Possibly Damaging"; Align-GVGD: "Class C0"). In summary, the available evidence is currently insufficient to determine the role of this variant in disease. Therefore, it has been classified as a Variant of Uncertain Significance.